The following is an entry in ClinVar:

NM_020778.5(ALPK3):c.2803G>T (p.Ala935Ser)

Gene: ALPK3 (alpha kinase 3; plus strand). Cytogenetic location: 15q25.3.
Variant type: single nucleotide variant.
Coding change: c.2803G>T on transcript NM_020778.5 (MANE Select); coding-DNA position 2803, G replaced by T.
Protein change: p.Ala935Ser; replaces alanine 935 with serine.
Molecular consequence: missense variant.
Genome position (GRCh38, 1-based): chr15:84,857,541, G>T. VCF-style: chr15-84857541-G-T. GRCh37 (hg19) VCF-style: chr15-85400772-G-T.
Other names: short protein forms A935S.
Identifiers: ClinVar variation 1462618 (VCV001462618.9), dbSNP rs1192258761, ClinGen allele CA393358429.
Genomic context (GRCh38, chr15:84,857,541, plus strand): 5'-GGGCTGGGGACCCCCACTCAGAGTCACCCACCAGAAACCATGGCCACCAGCAGTGAGGGG[G>T]CCTGCGCCCAGGTACCAGATGTGGAGGGGCGGACCCCAGGTCCCCGGAGCTGTGACCCTG-3'
Protein context (NP_065829.4, residues 925-945): PETMATSSEG[Ala935Ser]CAQVPDVEGR

ClinVar aggregate classification (germline): Uncertain significance. Review status: criteria provided, multiple submitters, no conflicts (2 of 4 stars). 2 submissions from 2 submitters: Uncertain significance (2). Last evaluated 2025-01-29.

gnomAD v4.1: 2 of 1,587,688 alleles (0.00013%); highest among the groups gnomAD compares: East Asian, 0.0045%; no homozygotes.

Submissions (2):

Labcorp Genetics (formerly Invitae), Labcorp
Classification: Uncertain significance. Last evaluated: 2025-01-29. Review status: criteria provided, single submitter. Criteria: Invitae Variant Classification Sherloc (09022015). Collection method: clinical testing. Allele origin: germline.
Comment: This sequence change replaces alanine, which is neutral and non-polar, with serine, which is neutral and polar, at codon 1137 of the ALPK3 protein (p.Ala1137Ser). This variant is not present in population databases (gnomAD no frequency). This variant has not been reported in the literature in individuals affected with ALPK3-related conditions. ClinVar contains an entry for this variant (Variation ID: 1462618). Invitae Evidence Modeling of protein sequence and biophysical properties (such as structural, functional, and spatial information, amino acid conservation, physicochemical variation, residue mobility, and thermodynamic stability) indicates that this missense variant is not expected to disrupt ALPK3 protein function with a negative predictive value of 80%. In summary, the available evidence is currently insufficient to determine the role of this variant in disease. Therefore, it has been classified as a Variant of Uncertain Significance.

Blueprint Genetics
Classification: Uncertain significance. Last evaluated: 2021-12-27. Review status: criteria provided, single submitter. Criteria: ACMG Guidelines, 2015. Collection method: clinical testing. Allele origin: germline.